The following is an entry in ClinVar:

NM_000090.4(COL3A1):c.530G>T (p.Gly177Val)

Gene: COL3A1 (collagen type III alpha 1 chain; plus strand). Cytogenetic location: 2q32.2.
Variant type: single nucleotide variant.
Coding change: c.530G>T on transcript NM_000090.4 (MANE Select); coding-DNA position 530, G replaced by T.
Protein change: p.Gly177Val; replaces glycine 177 with valine.
Molecular consequence: missense variant.
Genome position (GRCh38, 1-based): chr2:188,988,082, G>T. VCF-style: chr2-188988082-G-T. GRCh37 (hg19) VCF-style: chr2-189852808-G-T.
Other names: short protein forms G177V.
Identifiers: ClinVar variation 1163236 (VCV001163236.12), dbSNP rs2153501733, ClinGen allele CA349848213.

ClinVar aggregate classification (germline): Likely pathogenic. Review status: criteria provided, multiple submitters, no conflicts (2 of 4 stars). 2 submissions from 2 submitters: Likely pathogenic (2). Last evaluated 2021-05-26.

Conditions:
Ehlers-Danlos syndrome, type 4 (EDSVASC). Also called: Ehlers-Danlos syndrome vascular type; Ehlers Danlos syndrome, ecchymotic type; Ehlers Danlos syndrome, arterial type; Ehlers Danlos syndrome, Sack-Barabas type; Ehlers-Danlos Syndrome Type IV. Identifiers: Orphanet 286, MedGen C0268338, MONDO:0017314, OMIM 130050.

Submissions (2):

Labcorp Genetics (formerly Invitae), Labcorp
Classification: Likely pathogenic for Ehlers-Danlos syndrome, type 4. Last evaluated: 2021-05-26. Review status: criteria provided, single submitter. Criteria: Invitae Variant Classification Sherloc (09022015). Collection method: clinical testing. Allele origin: germline.
Comment: This variant has not been reported in the literature in individuals with COL3A1-related conditions. In summary, the currently available evidence indicates that the variant is pathogenic, but additional data are needed to prove that conclusively. Therefore, this variant has been classified as Likely Pathogenic. This variant disrupts the triple helix domain of COL3A1. Glycine residues within the Gly-Xaa-Yaa repeats of the triple helix domain are required for the structure and stability of fibrillar collagens (PMID: 7695699, 8218237, 19344236). In COL3A1, variants that affect these glycine residues are significantly enriched in individuals with disease (PMID: 24922459, 25758994) compared to the general population (ExAC). Algorithms developed to predict the effect of sequence changes on RNA splicing suggest that this variant may create or strengthen a splice site, but this prediction has not been confirmed by published transcriptional studies. Algorithms developed to predict the effect of missense changes on protein structure and function are either unavailable or do not agree on the potential impact of this missense change (SIFT: "Deleterious"; PolyPhen-2: "Not Available"; Align-GVGD: "Class C0"). This variant is not present in population databases (ExAC no frequency). This sequence change replaces glycine with valine at codon 177 of the COL3A1 protein (p.Gly177Val). The glycine residue is highly conserved and there is a moderate physicochemical difference between glycine and valine.

Mayo Clinic Laboratories, Mayo Clinic
Classification: Likely pathogenic. Last evaluated: 2020-04-29. Review status: criteria provided, single submitter. Criteria: ACMG Guidelines, 2015. Collection method: clinical testing. Allele origin: germline. Observed: 1 variant allele.
Comment: PM1, PM2, PM5, PP3, PP4

Literature cited by the submitters: PubMed 7695699 (cited by Labcorp Genetics (formerly Invitae), Labcorp); PubMed 8218237 (cited by Labcorp Genetics (formerly Invitae), Labcorp); PubMed 19344236 (cited by Labcorp Genetics (formerly Invitae), Labcorp); PubMed 24922459 (cited by Labcorp Genetics (formerly Invitae), Labcorp); PubMed 25758994 (cited by Labcorp Genetics (formerly Invitae), Labcorp and Mayo Clinic Laboratories, Mayo Clinic); PubMed 30474650 (cited by Mayo Clinic Laboratories, Mayo Clinic).